The following is an entry in ClinVar:

NM_001384474.1(LOXHD1):c.1894G>T (p.Gly632Cys)

Gene: LOXHD1 (lipoxygenase homology PLAT domains 1; minus strand). Cytogenetic location: 18q21.1.
Variant type: single nucleotide variant.
Coding change: c.1894G>T on transcript NM_001384474.1 (MANE Select); coding-DNA position 1894, G replaced by T.
Protein change: p.Gly632Cys; replaces glycine 632 with cysteine.
Molecular consequence: missense variant.
Genome position (GRCh38, 1-based): chr18:46,577,783, C>A on the plus strand (G>T on the coding strand, the complement: LOXHD1 is on the minus strand). VCF-style: chr18-46577783-C-A. GRCh37 (hg19) VCF-style: chr18-44157746-C-A.
Other names: c.1894G>T, p.Gly632Cys (NM_144612.7); short protein forms G632C.
Identifiers: ClinVar variation 47923 (VCV000047923.31), dbSNP rs35088381, ClinGen allele CA142194.

ClinVar aggregate classification (germline): Conflicting classifications of pathogenicity. Review status: criteria provided, conflicting classifications (1 of 4 stars). 8 submissions from 8 submitters: Uncertain significance (1); Benign (6). 1 of the submissions does not count toward it. Last evaluated 2026-02-04.

Conditions:
Autosomal recessive nonsyndromic hearing loss 77. Identifiers: Orphanet 90636, MedGen C2746083, MONDO:0013119, OMIM 613079.

Allele frequency attached by ClinVar (database versions not stated): 1000 Genomes Project 0.01238; 1000 Genomes Project 30x 0.01343; ESP Exome Variant Server 0.01445; TOPMed 0.01477.

Submissions (8):

Labcorp Genetics (formerly Invitae), Labcorp
Classification: Benign. Last evaluated: 2026-02-04. Review status: criteria provided, single submitter. Criteria: Invitae Variant Classification Sherloc (09022015). Collection method: clinical testing. Allele origin: germline.

ARUP Laboratories, Molecular Genetics and Genomics, ARUP Laboratories
Classification: Benign for Autosomal recessive nonsyndromic hearing loss 77. Last evaluated: 2023-11-06. Review status: criteria provided, single submitter. Criteria: ARUP Molecular Germline Variant Investigation Process 2024. Collection method: clinical testing. Allele origin: germline.

Genome-Nilou Lab
Classification: Benign for Autosomal recessive nonsyndromic hearing loss 77. Last evaluated: 2021-07-10. Review status: criteria provided, single submitter. Criteria: ACMG Guidelines, 2015. Collection method: clinical testing. Allele origin: germline. Affected: no.

Athena Diagnostics
Classification: Benign. Last evaluated: 2018-08-31. Review status: criteria provided, single submitter. Criteria: Athena Diagnostics Criteria. Collection method: clinical testing. Allele origin: germline.

Illumina Laboratory Services, Illumina
Classification: Uncertain significance for Autosomal recessive nonsyndromic hearing loss 77. Last evaluated: 2018-01-13. Review status: criteria provided, single submitter. Criteria: ICSL Variant Classification Criteria 13 December 2019. Collection method: clinical testing. Allele origin: germline.

GeneDx
Classification: Benign. Last evaluated: 2017-12-28. Review status: criteria provided, single submitter. Criteria: GeneDx Variant Classification (06012015). Collection method: clinical testing. Allele origin: germline. Affected: yes.
Comment: This variant is considered likely benign or benign based on one or more of the following criteria: it is a conservative change, it occurs at a poorly conserved position in the protein, it is predicted to be benign by multiple in silico algorithms, and/or has population frequency not consistent with disease.

Laboratory for Molecular Medicine, Mass General Brigham Personalized Medicine
Classification: Benign. Last evaluated: 2012-05-07. Review status: criteria provided, single submitter. Criteria: LMM Criteria. Collection method: clinical testing. Allele origin: germline. Observed: 62 variant alleles.
Comment: Gly632Cys in Exon 14 of LOXHD1: This variant is not expected to have clinical si gnificance because it has been identified in 1.3% (33/2532) of European American chromosomes from a broad population by the NHLBI Exome Sequencing Project (dbSNP rs35088381).

Natera, Inc.
Classification: Benign for Autosomal recessive deafness type 77. Last evaluated: 2020-09-16. Review status: no assertion criteria provided. Collection method: clinical testing. Allele origin: germline. Not counted in ClinVar's aggregate classification.